The following is an entry in ClinVar:

NM_004553.6(NDUFS6):c.46G>T (p.Glu16Ter)

Gene: NDUFS6 (NADH:ubiquinone oxidoreductase subunit S6; plus strand). Cytogenetic location: 5p15.33.
Variant type: single nucleotide variant.
Coding change: c.46G>T on transcript NM_004553.6 (MANE Select); coding-DNA position 46, G replaced by T.
Protein change: p.Glu16Ter; replaces glutamic acid 16 with a stop codon.
Molecular consequence: nonsense.
Genome position (GRCh38, 1-based): chr5:1,801,463, G>T. VCF-style: chr5-1801463-G-T. GRCh37 (hg19) VCF-style: chr5-1801577-G-T.
Other names: c.46G>T (NM_004553.4); short protein forms E16*.
Identifiers: ClinVar variation 1451220 (VCV001451220.8), dbSNP rs773818474, ClinGen allele CA3187527.

ClinVar aggregate classification (germline): Pathogenic/Likely pathogenic. Review status: criteria provided, multiple submitters, no conflicts (2 of 4 stars). 2 submissions from 2 submitters: Pathogenic (1); Likely pathogenic (1). Last evaluated 2025-12-14.

Conditions:
Mitochondrial complex I deficiency. Also called: NADH:Q(1) OXIDOREDUCTASE DEFICIENCY. Identifiers: Orphanet 2609, MedGen C1838979, MeSH C537475, MONDO:0100133.

Allele frequency attached by ClinVar (database versions not stated): gnomAD exomes 0.00001; ExAC 0.00002.
gnomAD v4.1: 3 of 1,604,204 alleles (0.00019%); highest among the groups gnomAD compares: East Asian, 0.0067%; no homozygotes.

Submissions (2):

Labcorp Genetics (formerly Invitae), Labcorp
Classification: Pathogenic. Last evaluated: 2025-12-14. Review status: criteria provided, single submitter. Criteria: Invitae Variant Classification Sherloc (09022015). Collection method: clinical testing. Allele origin: germline.
Comment: This sequence change creates a premature translational stop signal (p.Glu16*) in the NDUFS6 gene. It is expected to result in an absent or disrupted protein product. Loss-of-function variants in NDUFS6 are known to be pathogenic (PMID: 15372108). The frequency data for this variant in the population databases is considered unreliable, as metrics indicate poor data quality at this position in the gnomAD database. This variant has not been reported in the literature in individuals affected with NDUFS6-related conditions. ClinVar contains an entry for this variant (Variation ID: 1451220). For these reasons, this variant has been classified as Pathogenic.

Natera, Inc.
Classification: Likely pathogenic for Mitochondrial complex I deficiency. Last evaluated: 2025-12-09. Review status: criteria provided, single submitter. Criteria: Natera Variant Classification Schema (03/2026). Collection method: clinical testing. Allele origin: germline.
Comment: The c.46G>T variant in NDUFS6 is a nonsense variant predicted to introduce a stop codon at amino acid 16. This variant is expected to result in nonsense mediated decay, truncation, or a dysfunctional protein product. This variant is rare in the general population with a frequency below the threshold expected for the associated phenotype(s). Given the available evidence, this variant is classified as Likely Pathogenic.

Literature cited by the submitters: PubMed 15372108 (cited by Labcorp Genetics (formerly Invitae), Labcorp).